The following is an entry in ClinVar:

ClinVar aggregate classification (germline): Pathogenic (1 of 4 stars; one submission).

Submission:

CeGaT Center for Human Genetics Tuebingen
Classification: Pathogenic. Last evaluated: 2024-03-01. Review status: criteria provided, single submitter. Criteria: CeGaT Center For Human Genetics Tuebingen Variant Classification Criteria Version 2. Collection method: clinical testing. Allele origin: germline. Affected: yes. Observed: 1 variant allele.
Comment: TTC21B: PVS1, PM2

NM_024753.5(TTC21B):c.3625C>T (p.Gln1209Ter)

Gene: TTC21B (tetratricopeptide repeat domain 21B; minus strand). Cytogenetic location: 2q24.3.
Variant type: single nucleotide variant.
Coding change: c.3625C>T on transcript NM_024753.5 (MANE Select); coding-DNA position 3625, C replaced by T.
Protein change: p.Gln1209Ter; replaces glutamine 1209 with a stop codon.
Molecular consequence: nonsense.
Genome position (GRCh38, 1-based): chr2:165,883,853, G>A on the plus strand (C>T on the coding strand, the complement: TTC21B is on the minus strand). VCF-style: chr2-165883853-G-A. GRCh37 (hg19) VCF-style: chr2-166740363-G-A.
Other names: short protein forms Q1209*.
Identifiers: ClinVar variation 3067629 (VCV003067629.21), dbSNP rs2468109460, ClinGen allele CA349046633.
Genomic context (GRCh38, chr2:165,883,853, plus strand): 5'-CTCTATTATGACGCAGGCACCGTTTTAACAGGTCTTCTGCCATGTCATATTTTGCTGATT[G>A]AATGTAAATATCAGCAAGTAGCAGCCAACTCTTCTCAAACTCTTCAGCATCAATAGCATT-3'